The following is an entry in ClinVar:

ClinVar aggregate classification (germline): Likely benign (1 of 4 stars; one submission).

Allele frequency attached by ClinVar (database versions not stated): gnomAD 0.00001 and 0.00002; TOPMed 0.00003.

Submission:

GeneDx
Classification: Likely benign. Last evaluated: 2017-04-14. Review status: criteria provided, single submitter. Criteria: GeneDx Variant Classification (06012015). Collection method: clinical testing. Allele origin: germline. Affected: yes.
Comment: This variant is considered likely benign or benign based on one or more of the following criteria: it is a conservative change, it occurs at a poorly conserved position in the protein, it is predicted to be benign by multiple in silico algorithms, and/or has population frequency not consistent with disease.

NM_004329.3(BMPR1A):c.-283G>A

Genes: BMPR1A (bone morphogenetic protein receptor type 1A; plus strand), LOC130004245 (ATAC-STARR-seq lymphoblastoid silent region 2573; plus strand). Cytogenetic location: 10q23.2.
Variant type: single nucleotide variant.
Coding change: c.-283G>A on transcript NM_004329.3 (MANE Select); 283 bases upstream of the start codon, G replaced by A.
Molecular consequence: 5 prime UTR variant.
Genome position (GRCh38, 1-based): chr10:86,756,904, G>A. VCF-style: chr10-86756904-G-A. GRCh37 (hg19) VCF-style: chr10-88516661-G-A.
Identifiers: ClinVar variation 377560 (VCV000377560.1), dbSNP rs888074910, ClinGen allele CA16605956.
Genomic context (GRCh38, chr10:86,756,904, plus strand): 5'-CCCACTTCGCCCCGGCGGCTCGCCGCGCCCACCCGCTCCGCGCCGAGGGCTGGAGGATGC[G>A]TTCCCTGGGGTCCGGGTGAGTTGGGAGTGCGCGTGCGGACCGGAGGGGCTGGCCGCAGCG-3'